The following is an entry in ClinVar:

NM_001326342.2(CELF2):c.1523A>C (p.Lys508Thr)

Genes: CELF2-AS1 (CELF2 antisense RNA 1; minus strand), CELF2 (CUGBP Elav-like family member 2; plus strand). Cytogenetic location: 10p14.
Variant type: single nucleotide variant.
Coding change: c.1523A>C on transcript NM_001326342.2 (MANE Select); coding-DNA position 1523, A replaced by C.
Protein change: p.Lys508Thr; replaces lysine 508 with threonine.
Molecular consequence: missense variant.
Genome position (GRCh38, 1-based): chr10:11,329,010, A>C. VCF-style: chr10-11329010-A-C. GRCh37 (hg19) VCF-style: chr10-11370973-A-C.
Other names: c.1430A>C, p.Lys477Thr (NM_001025076.2, NM_001326318.2, NM_001326320.2 and 6 more transcripts); c.1484A>C, p.Lys495Thr (NM_001025077.3, NM_001326319.2, NM_001326332.2); c.1424A>C, p.Lys475Thr (NM_001083591.1); c.1412A>C, p.Lys471Thr (NM_001326317.2, NM_001326329.2, NM_001326344.2 and 2 more transcripts); c.1454A>C, p.Lys485Thr (NM_001326321.2); c.1472A>C, p.Lys491Thr (NM_001326323.2); c.1577A>C, p.Lys526Thr (NM_001326325.2, NM_001326343.2); c.1520A>C, p.Lys507Thr (NM_001326326.2); and 14 more; short protein forms K267T, K273T, K384T, K390T, K439T, K471T, K475T, K477T.
Identifiers: ClinVar variation 3252695 (VCV003252695.1), dbSNP rs2550092400.

ClinVar aggregate classification (germline): Uncertain significance (1 of 4 stars; one submission).

Submission:

GeneDx
Classification: Uncertain significance. Last evaluated: 2023-04-12. Review status: criteria provided, single submitter. Criteria: GeneDx Variant Classification Process June 2021. Collection method: clinical testing. Allele origin: germline. Affected: yes.
Comment: Not observed at significant frequency in large population cohorts (gnomAD); In silico analysis supports that this missense variant has a deleterious effect on protein structure/function; Has not been previously published as pathogenic or benign to our knowledge.